The following is an entry in ClinVar:

NM_001369.3(DNAH5):c.10186G>A (p.Ala3396Thr)

Gene: DNAH5 (dynein axonemal heavy chain 5; minus strand). Cytogenetic location: 5p15.2.
Variant type: single nucleotide variant.
Coding change: c.10186G>A on transcript NM_001369.3 (MANE Select); coding-DNA position 10186, G replaced by A.
Protein change: p.Ala3396Thr; replaces alanine 3396 with threonine.
Molecular consequence: missense variant.
Genome position (GRCh38, 1-based): chr5:13,762,817, C>T on the plus strand (G>A on the coding strand, the complement: DNAH5 is on the minus strand). VCF-style: chr5-13762817-C-T. GRCh37 (hg19) VCF-style: chr5-13762926-C-T.
Other names: c.10186G>A (NM_001369.2); short protein forms A3396T.
Identifiers: ClinVar variation 1477610 (VCV001477610.7), dbSNP rs1751970470, ClinGen allele CA359198413.

ClinVar aggregate classification (germline): Uncertain significance. Review status: criteria provided, multiple submitters, no conflicts (2 of 4 stars). 2 submissions from 2 submitters: Uncertain significance (2). Last evaluated 2025-12-22.

Conditions:
Primary ciliary dyskinesia. Also called: Ciliary dyskinesia. Identifiers: Orphanet 244, MedGen C0008780, MONDO:0016575, HP:0012265.

Allele frequency attached by ClinVar (database versions not stated): gnomAD exomes below 0.00001; TOPMed below 0.00001; gnomAD 0.00001.
gnomAD v4.1: 6 of 1,613,938 alleles (0.00037%); highest among the groups gnomAD compares: Non-Finnish European, 0.00051%; no homozygotes.

Submissions (2):

Labcorp Genetics (formerly Invitae), Labcorp
Classification: Uncertain significance for Primary ciliary dyskinesia. Last evaluated: 2025-12-22. Review status: criteria provided, single submitter. Criteria: Invitae Variant Classification Sherloc (09022015). Collection method: clinical testing. Allele origin: germline.
Comment: This sequence change replaces alanine, which is neutral and non-polar, with threonine, which is neutral and polar, at codon 3396 of the DNAH5 protein (p.Ala3396Thr). This variant is not present in population databases (gnomAD no frequency). This variant has not been reported in the literature in individuals affected with DNAH5-related conditions. ClinVar contains an entry for this variant (Variation ID: 1477610). Invitae Evidence Modeling of protein sequence and biophysical properties (such as structural, functional, and spatial information, amino acid conservation, physicochemical variation, residue mobility, and thermodynamic stability) has been performed for this missense variant. However, the output from this modeling did not meet the statistical confidence thresholds required to predict the impact of this variant on DNAH5 protein function. In summary, the available evidence is currently insufficient to determine the role of this variant in disease. Therefore, it has been classified as a Variant of Uncertain Significance.

Ambry Genetics
Classification: Uncertain significance for Primary ciliary dyskinesia. Last evaluated: 2024-08-01. Review status: criteria provided, single submitter. Criteria: Ambry Variant Classification Scheme 2023. Collection method: clinical testing. Allele origin: germline.